The following is an entry in ClinVar:

ClinVar aggregate classification (germline): Uncertain significance (1 of 4 stars; one submission).

Conditions:
Hereditary cancer-predisposing syndrome. Also called: Hereditary Cancer Syndrome; Hereditary neoplastic syndrome; Tumor predisposition; Neoplastic Syndromes, Hereditary. Identifiers: Orphanet 140162, MedGen C0027672, MeSH D009386, MONDO:0015356.

Submission:

Ambry Genetics
Classification: Uncertain significance for Hereditary cancer-predisposing syndrome. Last evaluated: 2021-12-10. Review status: criteria provided, single submitter. Criteria: Ambry Variant Classification Scheme 2023. Collection method: clinical testing. Allele origin: germline.
Comment: The p.A80D variant (also known as c.239C>A), located in coding exon 2 of the MSH3 gene, results from a C to A substitution at nucleotide position 239. The alanine at codon 80 is replaced by aspartic acid, an amino acid with dissimilar properties. This amino acid position is conserved. In addition, this alteration is predicted to be tolerated by in silico analysis. Since supporting evidence is limited at this time, the clinical significance of this alteration remains unclear.

NM_002439.5(MSH3):c.239C>A (p.Ala80Asp)

Gene: MSH3 (mutS homolog 3; plus strand). Cytogenetic location: 5q14.1.
Variant type: single nucleotide variant.
Coding change: c.239C>A on transcript NM_002439.5 (MANE Select); coding-DNA position 239, C replaced by A.
Protein change: p.Ala80Asp; replaces alanine 80 with aspartic acid.
Molecular consequence: missense variant.
Genome position (GRCh38, 1-based): chr5:80,656,412, C>A. VCF-style: chr5-80656412-C-A. GRCh37 (hg19) VCF-style: chr5-79952231-C-A.
Other names: short protein forms A80D.
Identifiers: ClinVar variation 1790674 (VCV001790674.2), dbSNP rs2546712091, ClinGen allele CA360266091.
Genomic context (GRCh38, chr5:80,656,412, plus strand): 5'-ATACGTCAGGCCTTCTCAGAGTAGAGATAACACATCATTTTCTAACCTTCCCGATATAGG[C>A]TACAGAAATTGACAGAAGAAAGAAGAGACCATTGGAAAATGATGGGCCTGTTAAAAAGAA-3'
Protein context (NP_002430.3, residues 70-90): AFPPQLPPHI[Ala80Asp]TEIDRRKKRP